The following is an entry in ClinVar:

NM_001371986.1(UNC80):c.5212-1G>T

Genes: UNC80 (unc-80 subunit of NALCN channel complex; plus strand), LOC126806490 (P300/CBP strongly-dependent group 1 enhancer GRCh37_chr2:210782411-210783610; plus strand). Cytogenetic location: 2q34.
Variant type: single nucleotide variant.
Coding change: c.5212-1G>T on transcript NM_001371986.1 (MANE Select); the canonical splice acceptor site of the intron before coding-DNA position 5212, G replaced by T.
Molecular consequence: splice acceptor variant.
Genome position (GRCh38, 1-based): chr2:209,918,531, G>T. VCF-style: chr2-209918531-G-T. GRCh37 (hg19) VCF-style: chr2-210783255-G-T.
Other names: c.5014-1G>T (NM_032504.2); c.4999-1G>T (NM_182587.4).
Identifiers: ClinVar variation 3654626 (VCV003654626.2).

ClinVar aggregate classification (germline): Likely pathogenic (1 of 4 stars; one submission).

Submission:

Labcorp Genetics (formerly Invitae), Labcorp
Classification: Likely pathogenic. Last evaluated: 2024-05-26. Review status: criteria provided, single submitter. Criteria: Invitae Variant Classification Sherloc (09022015). Collection method: clinical testing. Allele origin: germline.
Comment: This sequence change affects an acceptor splice site in intron 31 of the UNC80 gene. It is expected to disrupt RNA splicing. Variants that disrupt the donor or acceptor splice site typically lead to a loss of protein function (PMID: 16199547), and loss-of-function variants in UNC80 are known to be pathogenic (PMID: 26545877, 26708751, 26708753). This variant is not present in population databases (gnomAD no frequency). This variant has not been reported in the literature in individuals affected with UNC80-related conditions. Algorithms developed to predict the effect of sequence changes on RNA splicing suggest that this variant may disrupt the consensus splice site. In summary, the currently available evidence indicates that the variant is pathogenic, but additional data are needed to prove that conclusively. Therefore, this variant has been classified as Likely Pathogenic.

Literature cited by the submitters: PubMed 16199547; PubMed 26545877; PubMed 26708751; PubMed 26708753.